The following is an entry in ClinVar:

ClinVar aggregate classification (germline): Likely pathogenic (1 of 4 stars; one submission).

Conditions:
GLI2-related disorder. Also called: GLI2-related condition; GLI2-related disorders.

Submission:

Women's Health and Genetics/Laboratory Corporation of America, LabCorp
Classification: Likely pathogenic for GLI2-Related Disorders. Last evaluated: 2026-01-07. Review status: criteria provided, single submitter. Criteria: LabCorp Variant Classification Summary - May 2015. Collection method: clinical testing. Allele origin: germline.
Comment: Variant summary: The variant involves the duplication of exons 3-10 in the GLI2 gene. A presumed nomenclature of c.(148+1_149-1)_(1518+1_1519-1)dup has been designated for the purposes of this classification. It is assumed to be a tandem duplication in direct orientation (PMIDs: 25640679, 30054569). This Copy Number Variant (CNV) is expected to alter the reading frame and predicted to result in a truncation or absence of the encoded protein due to nonsense mediated decay (NMD). Loss-of-function variants in this gene are known to be pathogenic. The variant was absent in 21694 control chromosomes. To our knowledge, no occurrence of c.(148+1_149-1)_(1518+1_1519-1)dup in individuals affected with GLI2-related conditions and no experimental evidence demonstrating its impact on protein function have been reported. ClinVar contains an entry for this variant (Variation ID: 3062620). Based on the evidence outlined above, the variant was classified as likely pathogenic.

NC_000002.11:g.(121555045_121684936)_(121736160_121740291)dup

Gene: GLI2 (GLI family zinc finger 2; plus strand). Cytogenetic location: 2q14.2.
Variant type: Duplication.
Identifiers: ClinVar variation 4689561 (VCV004689561.1).